The following is an entry in ClinVar:

ClinVar aggregate classification (germline): Conflicting classifications of pathogenicity. Review status: criteria provided, conflicting classifications (1 of 4 stars). 2 submissions from 2 submitters: Uncertain significance (1); Likely benign (1). Last evaluated 2024-08-02.

Conditions:
Inborn genetic diseases. Identifiers: MedGen C0950123, MeSH D030342.

Allele frequency attached by ClinVar (database versions not stated): gnomAD 0.00001; TOPMed 0.00002.
gnomAD v4.1: 38 of 1,613,616 alleles (0.0024%); highest among the groups gnomAD compares: Middle Eastern, 0.12%; 1 homozygote.

Submissions (2):

Ambry Genetics
Classification: Uncertain significance for Inborn genetic diseases. Last evaluated: 2024-08-02. Review status: criteria provided, single submitter. Criteria: Ambry Variant Classification Scheme 2023. Collection method: clinical testing. Allele origin: germline.

GeneDx
Classification: Likely benign. Last evaluated: 2022-03-29. Review status: criteria provided, single submitter. Criteria: GeneDx Variant Classification Process June 2021. Collection method: clinical testing. Allele origin: germline. Affected: yes.
Comment: In silico analysis supports that this missense variant does not alter protein structure/function; Has not been previously published as pathogenic or benign to our knowledge

NM_020318.3(PAPPA2):c.4126G>A (p.Glu1376Lys)

Gene: PAPPA2 (pappalysin 2; plus strand). Cytogenetic location: 1q25.2.
Variant type: single nucleotide variant.
Coding change: c.4126G>A on transcript NM_020318.3 (MANE Select); coding-DNA position 4126, G replaced by A.
Protein change: p.Glu1376Lys; replaces glutamic acid 1376 with lysine.
Molecular consequence: missense variant.
Genome position (GRCh38, 1-based): chr1:176,740,171, G>A. VCF-style: chr1-176740171-G-A. GRCh37 (hg19) VCF-style: chr1-176709307-G-A.
Other names: short protein forms E1376K.
Identifiers: ClinVar variation 1675295 (VCV001675295.3), dbSNP rs376402363, ClinGen allele CA1258022.